The following is an entry in ClinVar:

NC_000004.12:g.6692352T>C

Variant type: single nucleotide variant.
Genome position: GRCh38 VCF-style: chr4-6692352-T-C. GRCh37 (hg19) VCF-style: chr4-6694079-T-C.
Identifiers: ClinVar variation 2654631 (VCV002654631.23), dbSNP rs563415050, ClinGen allele CA91842457.

ClinVar aggregate classification (germline): Likely benign (1 of 4 stars; one submission).

Submission:

CeGaT Center for Human Genetics Tuebingen
Classification: Likely benign. Last evaluated: 2022-04-01. Review status: criteria provided, single submitter. Criteria: CeGaT Center For Human Genetics Tuebingen Variant Classification Criteria Version 2. Collection method: clinical testing. Allele origin: germline. Affected: yes. Observed: 1 variant allele.
Comment: AC093323.1: BP4, BP7